The following is an entry in ClinVar:

NM_133259.4(LRPPRC):c.222T>G (p.Phe74Leu)

Gene: LRPPRC (leucine rich pentatricopeptide repeat containing; minus strand). Cytogenetic location: 2p21.
Variant type: single nucleotide variant.
Coding change: c.222T>G on transcript NM_133259.4 (MANE Select); coding-DNA position 222, T replaced by G.
Protein change: p.Phe74Leu; replaces phenylalanine 74 with leucine.
Molecular consequence: missense variant.
Genome position (GRCh38, 1-based): chr2:43,982,362, A>C on the plus strand (T>G on the coding strand, the complement: LRPPRC is on the minus strand). VCF-style: chr2-43982362-A-C. GRCh37 (hg19) VCF-style: chr2-44209501-A-C.
Other names: c.222T>G (NM_133259.3); short protein forms F74L.
Identifiers: ClinVar variation 2081150 (VCV002081150.2), dbSNP rs554391739, ClinGen allele CA1639435.

ClinVar aggregate classification (germline): Uncertain significance. Review status: criteria provided, multiple submitters, no conflicts (2 of 4 stars). 2 submissions from 2 submitters: Uncertain significance (2). Last evaluated 2023-12-14.

Conditions:
Inborn genetic diseases. Identifiers: MedGen C0950123, MeSH D030342.

Allele frequency attached by ClinVar (database versions not stated): gnomAD exomes below 0.00001; ExAC 0.00001; gnomAD 0.00009; TOPMed 0.00015; 1000 Genomes Project 30x 0.00016; 1000 Genomes Project 0.00020.
gnomAD v4.1: 23 of 1,614,078 alleles (0.0014%); highest among the groups gnomAD compares: Admixed American, 0.025%; no homozygotes.

Submissions (2):

Ambry Genetics
Classification: Uncertain significance for Inborn genetic diseases. Last evaluated: 2023-12-14. Review status: criteria provided, single submitter. Criteria: Ambry Variant Classification Scheme 2023. Collection method: clinical testing. Allele origin: germline.

Labcorp Genetics (formerly Invitae), Labcorp
Classification: Uncertain significance. Last evaluated: 2022-10-13. Review status: criteria provided, single submitter. Criteria: Invitae Variant Classification Sherloc (09022015). Collection method: clinical testing. Allele origin: germline.
Comment: This sequence change replaces phenylalanine, which is neutral and non-polar, with leucine, which is neutral and non-polar, at codon 74 of the LRPPRC protein (p.Phe74Leu). This variant is present in population databases (rs554391739, gnomAD 0.006%). This variant has not been reported in the literature in individuals affected with LRPPRC-related conditions. Advanced modeling of protein sequence and biophysical properties (such as structural, functional, and spatial information, amino acid conservation, physicochemical variation, residue mobility, and thermodynamic stability) performed at Invitae indicates that this missense variant is not expected to disrupt LRPPRC protein function. In summary, the available evidence is currently insufficient to determine the role of this variant in disease. Therefore, it has been classified as a Variant of Uncertain Significance.